The following is an entry in ClinVar:

NM_020884.7(MYH7B):c.3655C>T (p.Arg1219Trp)

Gene: MYH7B (myosin heavy chain 7B; plus strand). Cytogenetic location: 20q11.22.
Variant type: single nucleotide variant.
Coding change: c.3655C>T on transcript NM_020884.7 (MANE Select); coding-DNA position 3655, C replaced by T.
Protein change: p.Arg1219Trp; replaces arginine 1219 with tryptophan.
Molecular consequence: missense variant.
Genome position (GRCh38, 1-based): chr20:34,997,548, C>T. VCF-style: chr20-34997548-C-T. GRCh37 (hg19) VCF-style: chr20-33585351-C-T.
Other names: c.3781C>T (NM_020884.3); short protein forms R1219W.
Identifiers: ClinVar variation 2158593 (VCV002158593.6), dbSNP rs550218922, ClinGen allele CA9827796.
Genomic context (GRCh38, chr20:34,997,548, plus strand): 5'-CTGCGGCGCAAGCAGGCGGAGGGCGCGGCGGAGCTGGGGGAGCAGGTGGACAGCCTGCAG[C>T]GGGTGCGGCAGAAGCTGGAGAAGGAGAAGAGTGAGCTGCGCATGGAGGTGGACGACCTGG-3'
Protein context (NP_065935.4, residues 1209-1229): ELGEQVDSLQ[Arg1219Trp]VRQKLEKEKS

ClinVar aggregate classification (germline): Uncertain significance. Review status: criteria provided, multiple submitters, no conflicts (2 of 4 stars). 2 submissions from 2 submitters: Uncertain significance (2). Last evaluated 2025-11-12.

Allele frequency attached by ClinVar (database versions not stated): ExAC 0.00002; gnomAD 0.00012; 1000 Genomes Project 30x 0.00016; 1000 Genomes Project 0.00020; TOPMed 0.00022.
gnomAD v4.1: 44 of 1,611,478 alleles (0.0027%); highest among the groups gnomAD compares: Admixed American, 0.038%; no homozygotes.

Submissions (2):

Ambry Genetics
Classification: Uncertain significance. Last evaluated: 2025-11-12. Review status: criteria provided, single submitter. Criteria: Ambry Variant Classification Scheme 2023. Collection method: clinical testing. Allele origin: germline.

Labcorp Genetics (formerly Invitae), Labcorp
Classification: Uncertain significance. Last evaluated: 2024-05-29. Review status: criteria provided, single submitter. Criteria: Invitae Variant Classification Sherloc (09022015). Collection method: clinical testing. Allele origin: germline.
Comment: This sequence change replaces arginine, which is basic and polar, with tryptophan, which is neutral and slightly polar, at codon 1261 of the MYH7B protein (p.Arg1261Trp). This variant is present in population databases (rs550218922, gnomAD 0.006%). This variant has not been reported in the literature in individuals affected with MYH7B-related conditions. ClinVar contains an entry for this variant (Variation ID: 2158593). Advanced modeling of protein sequence and biophysical properties (such as structural, functional, and spatial information, amino acid conservation, physicochemical variation, residue mobility, and thermodynamic stability) performed at Invitae indicates that this missense variant is expected to disrupt MYH7B protein function with a positive predictive value of 80%. In summary, the available evidence is currently insufficient to determine the role of this variant in disease. Therefore, it has been classified as a Variant of Uncertain Significance.